The following is an entry in ClinVar:

ClinVar aggregate classification (germline): Uncertain significance (1 of 4 stars; one submission).

Conditions:
Hereditary hyperferritinemia with congenital cataracts. Also called: Hereditary hyperferritinemia cataract syndrome; Bonneau-Beaumont syndrome; HYPERFERRITINEMIA WITH OR WITHOUT CATARACT. Identifiers: Orphanet 163, MedGen C1833213, MONDO:0010952, OMIM 600886.
Neuroferritinopathy (NBIA3). Also called: NEURODEGENERATION WITH BRAIN IRON ACCUMULATION 3; BASAL GANGLIA DISEASE, ADULT-ONSET. Identifiers: Orphanet 157846, MedGen C1853578, MONDO:0011638, OMIM 606159.

Allele frequency attached by ClinVar (database versions not stated): TOPMed below 0.00001.

Submission:

Labcorp Genetics (formerly Invitae), Labcorp
Classification: Uncertain significance for Neuroferritinopathy; Hereditary hyperferritinemia with congenital cataracts. Last evaluated: 2022-08-16. Review status: criteria provided, single submitter. Criteria: Invitae Variant Classification Sherloc (09022015). Collection method: clinical testing. Allele origin: germline.
Comment: Experimental studies and prediction algorithms are not available or were not evaluated, and the functional significance of this variant is currently unknown. In summary, the available evidence is currently insufficient to determine the role of this variant in disease. Therefore, it has been classified as a Variant of Uncertain Significance. ClinVar contains an entry for this variant (Variation ID: 1482545). This variant has not been reported in the literature in individuals affected with FTL-related conditions. This variant is not present in population databases (gnomAD no frequency). This variant occurs in a non-coding region of the FTL gene. It does not change the encoded amino acid sequence of the FTL protein.

NM_000146.4(FTL):c.-196G>C

Gene: FTL (ferritin light chain; plus strand). Cytogenetic location: 19q13.33.
Variant type: single nucleotide variant.
Coding change: c.-196G>C on transcript NM_000146.4 (MANE Select); 196 bases upstream of the start codon, G replaced by C.
Molecular consequence: 5 prime UTR variant.
Genome position (GRCh38, 1-based): chr19:48,965,312, G>C. VCF-style: chr19-48965312-G-C. GRCh37 (hg19) VCF-style: chr19-49468569-G-C.
Identifiers: ClinVar variation 1482545 (VCV001482545.6), dbSNP rs2038437702, ClinGen allele CA2340161134.